The following is an entry in ClinVar:

NM_000135.4(FANCA):c.4162G>C (p.Gly1388Arg)

Genes: FANCA (FA complementation group A; minus strand), ZNF276 (zinc finger protein 276; plus strand). Cytogenetic location: 16q24.3.
Variant type: single nucleotide variant.
Coding change: c.4162G>C on transcript NM_000135.4 (MANE Select); coding-DNA position 4162, G replaced by C.
Protein change: p.Gly1388Arg; replaces glycine 1388 with arginine.
Molecular consequence: missense variant. On other transcripts: 3 prime UTR variant (2), non-coding transcript variant (4).
Genome position (GRCh38, 1-based): chr16:89,739,138, C>G on the plus strand (G>C on the coding strand, the complement: FANCA is on the minus strand). VCF-style: chr16-89739138-C-G. GRCh37 (hg19) VCF-style: chr16-89805546-C-G.
Other names: c.4162G>C, p.Gly1388Arg (NM_001286167.3); c.*892C>G (NM_001113525.2, NM_152287.4); short protein forms G1388R.
Identifiers: ClinVar variation 4022203 (VCV004022203.1).
Genomic context (GRCh38, chr16:89,739,138, plus strand): 5'-GGAGCCTCCGGCTGGGGGGAGCTCCCCTGGAGGTGGGACTGGCCCTTGCACCTGCCTGAC[C>G]CTTGAGCTCCAGGCTCCTGCCAGCTGGAGGTGAAACTGTGCTTGTATCCCCAGCCACGAA-3'
Protein context (NP_000126.2, residues 1378-1398): PPAGRSLELK[Gly1388Arg]QGNPVELITK

ClinVar aggregate classification (germline): Uncertain significance (1 of 4 stars; one submission).

Conditions:
Inborn genetic diseases. Identifiers: MedGen C0950123, MeSH D030342.

Submission:

Ambry Genetics
Classification: Uncertain significance for Inborn genetic diseases. Last evaluated: 2025-04-18. Review status: criteria provided, single submitter. Criteria: Ambry Variant Classification Scheme 2023. Collection method: clinical testing. Allele origin: germline.
Comment: The p.G1388R variant (also known as c.4162G>C), located in coding exon 41 of the FANCA gene, results from a G to C substitution at nucleotide position 4162. The glycine at codon 1388 is replaced by arginine, an amino acid with dissimilar properties. This amino acid position is conserved. In addition, this alteration is predicted to be tolerated by in silico analysis. Based on the available evidence, the clinical significance of this variant remains unclear.